The following is an entry in ClinVar:

NM_004738.5(VAPB):c.592A>T (p.Met198Leu)

Gene: VAPB (VAMP associated protein B and C; plus strand). Cytogenetic location: 20q13.32.
Variant type: single nucleotide variant.
Coding change: c.592A>T on transcript NM_004738.5 (MANE Select); coding-DNA position 592, A replaced by T.
Protein change: p.Met198Leu; replaces methionine 198 with leucine.
Molecular consequence: missense variant. On other transcripts: non-coding transcript variant (1).
Genome position (GRCh38, 1-based): chr20:58,444,095, A>T. VCF-style: chr20-58444095-A-T. GRCh37 (hg19) VCF-style: chr20-57019151-A-T.
Other names: c.230A>T, p.Asp77Val (NM_001195677.2); short protein forms D77V, M198L.
Identifiers: ClinVar variation 2929963 (VCV002929963.3), dbSNP rs777156361, ClinGen allele CA409440090.
Genomic context (GRCh38, chr20:58,444,095, plus strand): 5'-GGTGCCTTGGCTTGTCTTTGAAATGTGCGTTTGCTCCCGTAGGAAGAAGATGGACTGCGG[A>T]TGAGGAAGACAGTGCAGAGCAACAGCCCCATTTCAGCATTAGCCCCAACTGGGAAGGAAG-3'
Protein context (NP_004729.1, residues 188-208): KQFKEEDGLR[Met198Leu]RKTVQSNSPI

ClinVar aggregate classification (germline): Uncertain significance (1 of 4 stars; one submission).

Conditions:
Amyotrophic lateral sclerosis type 8 (ALS8). Identifiers: Orphanet 803, MedGen C1837728, MONDO:0012077, OMIM 608627.
Adult-onset proximal spinal muscular atrophy, autosomal dominant. Also called: Spinal muscular atrophy, late-onset, finkel type; FINKEL LATE-ADULT TYPE SMA. Identifiers: Orphanet 209335, MedGen C1854058, MONDO:0008453, OMIM 182980.

Submission:

Labcorp Genetics (formerly Invitae), Labcorp
Classification: Uncertain significance for Adult-onset proximal spinal muscular atrophy, autosomal dominant; Amyotrophic lateral sclerosis type 8. Last evaluated: 2023-05-19. Review status: criteria provided, single submitter. Criteria: Invitae Variant Classification Sherloc (09022015). Collection method: clinical testing. Allele origin: germline.
Comment: In summary, the available evidence is currently insufficient to determine the role of this variant in disease. Therefore, it has been classified as a Variant of Uncertain Significance. Advanced modeling of protein sequence and biophysical properties (such as structural, functional, and spatial information, amino acid conservation, physicochemical variation, residue mobility, and thermodynamic stability) performed at Invitae indicates that this missense variant is not expected to disrupt VAPB protein function. This variant has not been reported in the literature in individuals affected with VAPB-related conditions. This variant is not present in population databases (gnomAD no frequency). This sequence change replaces methionine, which is neutral and non-polar, with leucine, which is neutral and non-polar, at codon 198 of the VAPB protein (p.Met198Leu).